The following is an entry in ClinVar:

NM_001303256.3(MORC2):c.2738A>G (p.Gln913Arg)

Gene: MORC2 (MORC family CW-type zinc finger 2; minus strand). Cytogenetic location: 22q12.2.
Variant type: single nucleotide variant.
Coding change: c.2738A>G on transcript NM_001303256.3 (MANE Select); coding-DNA position 2738, A replaced by G.
Protein change: p.Gln913Arg; replaces glutamine 913 with arginine.
Molecular consequence: missense variant.
Genome position (GRCh38, 1-based): chr22:30,932,554, T>C on the plus strand (A>G on the coding strand, the complement: MORC2 is on the minus strand). VCF-style: chr22-30932554-T-C. GRCh37 (hg19) VCF-style: chr22-31328541-T-C.
Other names: c.2738A>G, p.Gln913Arg (NM_001303257.2); c.2552A>G, p.Gln851Arg (NM_014941.3); short protein forms Q913R, Q851R.
Identifiers: ClinVar variation 2783368 (VCV002783368.3), dbSNP rs2517569133, ClinGen allele CA411231701.

ClinVar aggregate classification (germline): Uncertain significance (1 of 4 stars; one submission).

Conditions:
Charcot-Marie-Tooth disease axonal type 2Z. Also called: CHARCOT-MARIE-TOOTH DISEASE, AXONAL, AUTOSOMAL DOMINANT, TYPE 2Z; CHARCOT-MARIE-TOOTH NEUROPATHY, TYPE 2Z. Identifiers: Orphanet 466768, MedGen C5569025, MONDO:0014736, OMIM 616688.

Submission:

Labcorp Genetics (formerly Invitae), Labcorp
Classification: Uncertain significance for Charcot-Marie-Tooth disease axonal type 2Z. Last evaluated: 2023-05-22. Review status: criteria provided, single submitter. Criteria: Invitae Variant Classification Sherloc (09022015). Collection method: clinical testing. Allele origin: germline.
Comment: In summary, the available evidence is currently insufficient to determine the role of this variant in disease. Therefore, it has been classified as a Variant of Uncertain Significance. Advanced modeling of protein sequence and biophysical properties (such as structural, functional, and spatial information, amino acid conservation, physicochemical variation, residue mobility, and thermodynamic stability) has been performed at Invitae for this missense variant, however the output from this modeling did not meet the statistical confidence thresholds required to predict the impact of this variant on MORC2 protein function. This variant has not been reported in the literature in individuals affected with MORC2-related conditions. This variant is not present in population databases (gnomAD no frequency). This sequence change replaces glutamine, which is neutral and polar, with arginine, which is basic and polar, at codon 913 of the MORC2 protein (p.Gln913Arg).